The following is an entry in ClinVar:

NM_001322934.2(NFKB2):c.1980C>A (p.Asn660Lys)

Gene: NFKB2 (nuclear factor kappa B subunit 2; plus strand). Cytogenetic location: 10q24.32.
Variant type: single nucleotide variant.
Coding change: c.1980C>A on transcript NM_001322934.2 (MANE Select); coding-DNA position 1980, C replaced by A.
Protein change: p.Asn660Lys; replaces asparagine 660 with lysine.
Molecular consequence: missense variant.
Genome position (GRCh38, 1-based): chr10:102,400,958, C>A. VCF-style: chr10-102400958-C-A. GRCh37 (hg19) VCF-style: chr10-104160715-C-A.
Other names: c.1980C>A, p.Asn660Lys (NM_001077494.3, NM_001261403.3, NM_001288724.1 and 1 more transcripts); c.1854C>A, p.Asn618Lys (NM_001322935.1); short protein forms N618K, N660K.
Identifiers: ClinVar variation 940865 (VCV000940865.10), dbSNP rs770000992, ClinGen allele CA5664946.

ClinVar aggregate classification (germline): Uncertain significance. Review status: criteria provided, multiple submitters, no conflicts (2 of 4 stars). 2 submissions from 2 submitters: Uncertain significance (2). Last evaluated 2024-06-28.

Conditions:
Immunodeficiency, common variable, 10. Also called: IMMUNODEFICIENCY, COMMON VARIABLE, WITH CENTRAL ADRENAL INSUFFICIENCY; DEFICIT IN ANTERIOR PITUITARY FUNCTION AND VARIABLE IMMUNODEFICIENCY. Identifiers: MedGen C3809991, MONDO:0014260, OMIM 615577.

gnomAD v4.1: 1 of 1,613,490 alleles (0.000062%); highest among the groups gnomAD compares: South Asian, 0.0011%; no homozygotes.

Submissions (2):

GeneDx
Classification: Uncertain significance. Last evaluated: 2024-06-28. Review status: criteria provided, single submitter. Criteria: GeneDx Variant Classification Process June 2021. Collection method: clinical testing. Allele origin: germline. Affected: yes.
Comment: Not observed at significant frequency in large population cohorts (gnomAD); In silico analysis indicates that this missense variant does not alter protein structure/function; Has not been previously published as pathogenic or benign to our knowledge

Labcorp Genetics (formerly Invitae), Labcorp
Classification: Uncertain significance for Immunodeficiency, common variable, 10. Last evaluated: 2022-03-18. Review status: criteria provided, single submitter. Criteria: Invitae Variant Classification Sherloc (09022015). Collection method: clinical testing. Allele origin: germline.
Comment: This sequence change replaces asparagine, which is neutral and polar, with lysine, which is basic and polar, at codon 660 of the NFKB2 protein (p.Asn660Lys). In summary, the available evidence is currently insufficient to determine the role of this variant in disease. Therefore, it has been classified as a Variant of Uncertain Significance. Algorithms developed to predict the effect of missense changes on protein structure and function are either unavailable or do not agree on the potential impact of this missense change (SIFT: "Tolerated"; PolyPhen-2: "Possibly Damaging"; Align-GVGD: "Class C0"). ClinVar contains an entry for this variant (Variation ID: 940865). This variant has not been reported in the literature in individuals affected with NFKB2-related conditions. This variant is present in population databases (rs770000992, gnomAD no frequency).